The following is an entry in ClinVar:

ClinVar aggregate classification (germline): Uncertain significance. Review status: reviewed by expert panel (3 of 4 stars). 3 submissions from 3 submitters: Uncertain significance (1). 2 of the submissions do not count toward it. Last evaluated 2024-09-11.

Conditions:
Hereditary thrombocytopenia and hematologic cancer predisposition syndrome. Identifiers: Orphanet 71290, MedGen CN281654, MONDO:0011071.
Hereditary thrombocytopenia and hematological cancer predisposition syndrome associated with RUNX1. Also called: PLATELET DISORDER, ASPIRIN-LIKE; RUNX1 Familial Platelet Disorder with Associated Myeloid Malignancies; Familial Platelet Disorder with Propensity to Acute Myelogenous Leukemia; Familial thrombocytopenia with propensity to acute myelogenous leukemia. Identifiers: Orphanet 71290, MedGen C1832388, MeSH C563324, MONDO:0100083, OMIM 601399.

Submissions (3):

ClinGen Myeloid Malignancy Variant Curation Expert Panel
Classification: Uncertain significance for Hereditary thrombocytopenia and hematologic cancer predisposition syndrome. Last evaluated: 2024-09-11. Review status: reviewed by expert panel. Criteria: ClinGen MyeloMalig ACMG Specifications v2. Collection method: curation. Allele origin: germline. Inheritance: Autosomal dominant inheritance.
Comment: The NM_001754.4:c.1422G>T (p.Glu474Asp) variant is completely absent from all population databases with at least 20x coverage for RUNX1 (PM2_supporting). This missense variant has a REVEL score 0.312. In summary, the clinical significance of this variant is uncertain (VUS). ACMG/AMP criteria applied, as specified by the ClinGen Myeloid Malignancy Variant Curation Expert Panel for RUNX1: PM2_supporting.

Illumina Laboratory Services, Illumina
Classification: Uncertain significance for Hereditary thrombocytopenia and hematological cancer predisposition syndrome associated with RUNX1. Last evaluated: 2018-01-13. Review status: criteria provided, single submitter. Criteria: ICSL Variant Classification Criteria 13 December 2019. Collection method: clinical testing. Allele origin: germline. Not counted in ClinVar's aggregate classification.

Labcorp Genetics (formerly Invitae), Labcorp
Classification: Uncertain significance for Hereditary thrombocytopenia and hematological cancer predisposition syndrome associated with RUNX1. Last evaluated: 2016-10-06. Review status: criteria provided, single submitter. Criteria: Invitae Variant Classification Sherloc (09022015). Collection method: clinical testing. Allele origin: germline. Not counted in ClinVar's aggregate classification.
Comment: This sequence change replaces glutamic acid with aspartic acid at codon 474 of the RUNX1 protein (p.Glu474Asp). The glutamic acid residue is moderately conserved and there is a small physicochemical difference between glutamic acid and aspartic acid. While this variant is not present in population databases, the frequency information is unreliable, as metrics indicate poor data quality at this position in the ExAC database. This variant has not been reported in the literature in an individual with a RUNX1-related disease. Algorithms developed to predict the effect of missense changes on protein structure and function do not agree on the potential impact of this missense change (SIFT: "Tolerated"; PolyPhen-2: "Probably Damaging"; Align-GVGD: "Class C0"). In summary, this variant is a novel missense change with uncertain impact on protein function. It has been classified as a Variant of Uncertain Significance.

NM_001754.5(RUNX1):c.1422G>T (p.Glu474Asp)

Gene: RUNX1 (RUNX family transcription factor 1; minus strand). Cytogenetic location: 21q22.12.
Variant type: single nucleotide variant.
Coding change: c.1422G>T on transcript NM_001754.5 (MANE Select); coding-DNA position 1422, G replaced by T.
Protein change: p.Glu474Asp; replaces glutamic acid 474 with aspartic acid.
Molecular consequence: missense variant.
Genome position (GRCh38, 1-based): chr21:34,792,156, C>A on the plus strand (G>T on the coding strand, the complement: RUNX1 is on the minus strand). VCF-style: chr21-34792156-C-A. GRCh37 (hg19) VCF-style: chr21-36164453-C-A.
Other names: NM_001754.4(RUNX1):c.1422G>T; NM_001754.5(RUNX1):c.1422G>T; c.1341G>T, p.Glu447Asp (NM_001001890.3); short protein forms E474D, E447D.
Identifiers: ClinVar variation 339874 (VCV000339874.14), dbSNP rs886057047, ClinGen allele CA10652929.